The following is an entry in ClinVar:

NM_001127222.2(CACNA1A):c.1499C>T (p.Thr500Met)

Gene: CACNA1A (calcium voltage-gated channel subunit alpha1 A; minus strand). Cytogenetic location: 19p13.13.
Variant type: single nucleotide variant.
Coding change: c.1499C>T on transcript NM_001127222.2 (MANE Select); coding-DNA position 1499, C replaced by T.
Protein change: p.Thr500Met; replaces threonine 500 with methionine.
Molecular consequence: missense variant.
Genome position (GRCh38, 1-based): chr19:13,317,168, G>A on the plus strand (C>T on the coding strand, the complement: CACNA1A is on the minus strand). VCF-style: chr19-13317168-G-A. GRCh37 (hg19) VCF-style: chr19-13427982-G-A.
Other names: c.1502C>T, p.Thr501Met (NM_000068.4, NM_001127221.2, NM_001174080.2 and 1 more transcripts); short protein forms T501M, T500M.
Identifiers: ClinVar variation 68421 (VCV000068421.50), dbSNP rs121908240, ClinGen allele CA266034.
Genomic context (GRCh38, chr19:13,317,168, plus strand): 5'-TCACAAAGGAAGTCGGAGAGCCACTCGGGCTGGTTGTAGTGAACAATAGCAACACACAGC[G>A]TGTTGAGAGCTACCAAACTGAGTACAGTCCAGTAGAAGGCCTGAGTTTTGACCATGCGGC-3'
Protein context (NP_001120694.1, residues 490-510): WTVLSLVALN[Thr500Met]LCVAIVHYNQ

ClinVar aggregate classification (germline): Pathogenic. Review status: criteria provided, multiple submitters, no conflicts (2 of 4 stars). 6 submissions from 6 submitters: Pathogenic (5). 1 of the submissions does not count toward it. Last evaluated 2024-09-24.

Conditions:
Episodic ataxia type 2 (EA2). Also called: ATAXIA, EPISODIC, WITH NYSTAGMUS; ATAXIA, FAMILIAL PAROXYSMAL; CEREBELLAR ATAXIA, PAROXYSMAL, ACETAZOLAMIDE-RESPONSIVE; CEREBELLOPATHY, HEREDITARY PAROXYSMAL; EPISODIC ATAXIA, NYSTAGMUS-ASSOCIATED; ACETAZOLAMIDE-RESPONSIVE HEREDITARY PAROXYSMAL CEREBELLAR ATAXIA. Identifiers: Orphanet 97, MedGen C1720416, MONDO:0007163, OMIM 108500.
Developmental and epileptic encephalopathy, 42 (DEE42A). Also called: DEVELOPMENTAL AND EPILEPTIC ENCEPHALOPATHY 42A; EPILEPTIC ENCEPHALOPATHY, EARLY INFANTILE, 42A; Epileptic encephalopathy, early infantile, 42. Identifiers: MedGen C4310716, MONDO:0014917, OMIM 617106.
Hereditary episodic ataxia. Also called: Episodic ataxia; EA syndrome; Episodic Ataxia syndrome. Identifiers: Orphanet 211062, MedGen C1720189, MONDO:0016227, HP:0002131.

Allele frequency attached by ClinVar (database versions not stated): gnomAD exomes below 0.00001; TOPMed below 0.00001; ExAC 0.00001; gnomAD 0.00001.
gnomAD v4.1: 9 of 1,613,326 alleles (0.00056%); highest among the groups gnomAD compares: East Asian, 0.0022%; no homozygotes.

Submissions (6):

Labcorp Genetics (formerly Invitae), Labcorp
Classification: Pathogenic for Developmental and epileptic encephalopathy, 42; Episodic ataxia type 2. Last evaluated: 2024-09-24. Review status: criteria provided, single submitter. Criteria: Invitae Variant Classification Sherloc (09022015). Collection method: clinical testing. Allele origin: germline.
Comment: This sequence change replaces threonine, which is neutral and polar, with methionine, which is neutral and non-polar, at codon 501 of the CACNA1A protein (p.Thr501Met). This variant is present in population databases (rs121908240, gnomAD 0.003%). This missense change has been observed in individual(s) with CACNA1A-related conditions (PMID: 20129625, 24498617, 34320921). It has also been observed to segregate with disease in related individuals. ClinVar contains an entry for this variant (Variation ID: 68421). Invitae Evidence Modeling of protein sequence and biophysical properties (such as structural, functional, and spatial information, amino acid conservation, physicochemical variation, residue mobility, and thermodynamic stability) indicates that this missense variant is expected to disrupt CACNA1A protein function with a positive predictive value of 95%. Experimental studies have shown that this missense change affects CACNA1A function (PMID: 24498617). For these reasons, this variant has been classified as Pathogenic.

Athena Diagnostics
Classification: Pathogenic. Last evaluated: 2024-05-16. Review status: criteria provided, single submitter. Criteria: Athena Diagnostics Criteria. Collection method: clinical testing. Allele origin: unknown.
Comment: The frequency of this variant in the general population is consistent with pathogenicity. This variant has been identified in individuals with familial hemiplegic migraine (FHM) and/or cerebellar ataxia, and segregates with disease in at least one family. Assessment of experimental evidence suggests this variant results in abnormal protein function. (PMID: 24498617)

GeneDx
Classification: Pathogenic. Last evaluated: 2024-05-01. Review status: criteria provided, single submitter. Criteria: GeneDx Variant Classification Process June 2021. Collection method: clinical testing. Allele origin: germline. Affected: yes.
Comment: Not observed at significant frequency in large population cohorts (gnomAD); Published functional studies demonstrate a damaging effect through alteration of channel activation and inactivation (PMID: 24498617); In silico analysis supports that this missense variant has a deleterious effect on protein structure/function; This variant is associated with the following publications: (PMID: 28566750, 24498617, 20129625, 33746731, 32899500, 34320921)

Women's Health and Genetics/Laboratory Corporation of America, LabCorp
Classification: Pathogenic for Hereditary episodic ataxia. Last evaluated: 2023-10-25. Review status: criteria provided, single submitter. Criteria: LabCorp Variant Classification Summary - May 2015. Collection method: clinical testing. Allele origin: germline.
Comment: Variant summary: CACNA1A c.1502C>T (p.Thr501Met) results in a non-conservative amino acid change to a highly conserved residue (HGMD) located in the Ion transport domain (IPR005821) of the encoded protein sequence. Five of five in-silico tools predict a damaging effect of the variant on protein function. The variant allele was found at a frequency of 4e-06 in 248946 control chromosomes (gnomAD). c.1502C>T has been reported in the literature in multiple individuals affected with familial hemiplegic migraine as well as individuals with episodic ataxia (Mantuano_2010, Carreno_2013, Romozzi_2021). These data indicate that the variant is very likely to be associated with disease. At least one publication reports experimental evidence evaluating an impact on protein function, finding that the variant results in a gain of channel function (Carreno_2013). The following publications have been ascertained in the context of this evaluation (PMID: 20129625, 24498617, 34320921, 28566750). Three submitters have cited clinical-significance assessments for this variant to ClinVar after 2014, and classified it as pathogenic (n=2) or uncertain significance (n=1). Based on the evidence outlined above, the variant was classified as pathogenic.

CeGaT Center for Human Genetics Tuebingen
Classification: Pathogenic. Last evaluated: 2018-03-01. Review status: criteria provided, single submitter. Criteria: CeGaT Center For Human Genetics Tuebingen Variant Classification Criteria Version 2. Collection method: clinical testing. Allele origin: germline. Affected: yes. Observed: 1 variant allele.

UniProtKB/Swiss-Prot
No classification provided. Condition: Episodic ataxia type 2. Review status: no classification provided. Collection method: not provided. Allele origin: not provided. Not counted in ClinVar's aggregate classification.

Literature cited by the submitters: PubMed 20129625 (cited by 3 submitters); PubMed 24498617 (cited by 3 submitters); PubMed 34320921 (cited by 3 submitters); PubMed 28566750 (cited by Athena Diagnostics and Women's Health and Genetics/Laboratory Corporation of America, LabCorp).